The following is an entry in ClinVar:

NM_001482.3(GATM):c.-16C>T

Genes: GATM (glycine amidinotransferase; minus strand), LOC130056991 (ATAC-STARR-seq lymphoblastoid silent region 6406; plus strand). Cytogenetic location: 15q21.1.
Variant type: single nucleotide variant.
Coding change: c.-16C>T on transcript NM_001482.3 (MANE Select); 16 bases upstream of the start codon, C replaced by T.
Molecular consequence: 5 prime UTR variant. On other transcripts: intron variant (1).
Genome position (GRCh38, 1-based): chr15:45,378,469, G>A on the plus strand (C>T on the coding strand, the complement: GATM is on the minus strand). VCF-style: chr15-45378469-G-A. GRCh37 (hg19) VCF-style: chr15-45670667-G-A.
Other names: c.-318-1650C>T (NM_001321015.2).
Identifiers: ClinVar variation 384087 (VCV000384087.1), dbSNP rs1057521849, ClinGen allele CA16606941.

ClinVar aggregate classification (germline): Likely benign (1 of 4 stars; one submission).

Allele frequency attached by ClinVar (database versions not stated): gnomAD 0.00001; TOPMed 0.00001.
gnomAD v4.1: 2 of 1,430,436 alleles (0.00014%); highest among the groups gnomAD compares: Non-Finnish European, 0.00018%; no homozygotes.

Submission:

GeneDx
Classification: Likely benign. Last evaluated: 2016-02-24. Review status: criteria provided, single submitter. Criteria: GeneDx Variant Classification (06012015). Collection method: clinical testing. Allele origin: germline. Affected: yes.
Comment: This variant is considered likely benign or benign based on one or more of the following criteria: it is a conservative change, it occurs at a poorly conserved position in the protein, it is predicted to be benign by multiple in silico algorithms, and/or has population frequency not consistent with disease.